The following is an entry in ClinVar:

NM_003664.5(AP3B1):c.3062T>C (p.Val1021Ala)

Gene: AP3B1 (adaptor related protein complex 3 subunit beta 1; minus strand). Cytogenetic location: 5q14.1.
Variant type: single nucleotide variant.
Coding change: c.3062T>C on transcript NM_003664.5 (MANE Select); coding-DNA position 3062, T replaced by C.
Protein change: p.Val1021Ala; replaces valine 1021 with alanine.
Molecular consequence: missense variant.
Genome position (GRCh38, 1-based): chr5:78,015,479, A>G on the plus strand (T>C on the coding strand, the complement: AP3B1 is on the minus strand). VCF-style: chr5-78015479-A-G. GRCh37 (hg19) VCF-style: chr5-77311303-A-G.
Other names: c.2915T>C, p.Val972Ala (NM_001271769.2); short protein forms V1021A, V972A.
Identifiers: ClinVar variation 1511603 (VCV001511603.6), dbSNP rs781365567, ClinGen allele CA3316584.

ClinVar aggregate classification (germline): Uncertain significance (1 of 4 stars; one submission).

Conditions:
Hermansky-Pudlak syndrome 2 (HPS2). Also called: Platelet defects and oculocutaneous albinism. Identifiers: Orphanet 183678, Orphanet 79430, MedGen C1842362, MONDO:0011997, OMIM 608233.

Allele frequency attached by ClinVar (database versions not stated): gnomAD exomes 0.00001; ExAC 0.00001.
gnomAD v4.1: 13 of 1,613,776 alleles (0.00081%); highest among the groups gnomAD compares: Non-Finnish European, 0.001%; no homozygotes.

Submission:

Labcorp Genetics (formerly Invitae), Labcorp
Classification: Uncertain significance for Hermansky-Pudlak syndrome 2. Last evaluated: 2022-08-23. Review status: criteria provided, single submitter. Criteria: Invitae Variant Classification Sherloc (09022015). Collection method: clinical testing. Allele origin: germline.
Comment: In summary, the available evidence is currently insufficient to determine the role of this variant in disease. Therefore, it has been classified as a Variant of Uncertain Significance. Algorithms developed to predict the effect of missense changes on protein structure and function (SIFT, PolyPhen-2, Align-GVGD) all suggest that this variant is likely to be tolerated. ClinVar contains an entry for this variant (Variation ID: 1511603). This variant has not been reported in the literature in individuals affected with AP3B1-related conditions. This variant is not present in population databases (gnomAD no frequency). This sequence change replaces valine, which is neutral and non-polar, with alanine, which is neutral and non-polar, at codon 1021 of the AP3B1 protein (p.Val1021Ala).